The following is an entry in ClinVar:

ClinVar aggregate classification (germline): Uncertain significance. Review status: criteria provided, multiple submitters, no conflicts (2 of 4 stars). 2 submissions from 2 submitters: Uncertain significance (2). Last evaluated 2026-02-18.

Conditions:
Cardiovascular phenotype. Identifiers: MedGen CN230736.
Ehlers-Danlos syndrome, classic type, 1 (EDSCL1). Also called: EHLERS-DANLOS SYNDROME, GRAVIS TYPE; EHLERS-DANLOS SYNDROME, SEVERE CLASSIC TYPE; Ehlers-Danlos syndrome, type 1; Ehlers-Danlos Syndrome, Classic Type, COL5A1-Related; EDS I. Identifiers: MedGen C0268335, MONDO:0019567, OMIM 130000.
Osteogenesis imperfecta type I (OI1). Also called: OI, TYPE I; OSTEOGENESIS IMPERFECTA TARDA; OSTEOGENESIS IMPERFECTA WITH BLUE SCLERAE; Osteogenesis imperfecta type 1; Lobstein's Disease; Lobstein disease. Identifiers: Orphanet 216796, Orphanet 666, MedGen C0023931, MONDO:0008146, OMIM 166200. Disease mechanism: loss of function.

Allele frequency attached by ClinVar (database versions not stated): gnomAD exomes below 0.00001.
gnomAD v4.1: 16 of 1,613,994 alleles (0.00099%); highest among the groups gnomAD compares: Non-Finnish European, 0.0013%; no homozygotes.

Submissions (2):

Ambry Genetics
Classification: Uncertain significance for Cardiovascular phenotype. Last evaluated: 2026-02-18. Review status: criteria provided, single submitter. Criteria: Ambry Variant Classification Scheme 2023. Collection method: clinical testing. Allele origin: germline.
Comment: The p.K1326M variant (also known as c.3977A>T), located in coding exon 52 of the COL1A2 gene, results from an A to T substitution at nucleotide position 3977. The lysine at codon 1326 is replaced by methionine, an amino acid with similar properties. This amino acid position is highly conserved in available vertebrate species. In addition, this alteration is predicted to be deleterious by in silico analysis. Based on the available evidence, the clinical significance of this variant remains unclear.

Labcorp Genetics (formerly Invitae), Labcorp
Classification: Uncertain significance for Osteogenesis imperfecta type I; Ehlers-Danlos syndrome, classic type, 1. Last evaluated: 2022-06-13. Review status: criteria provided, single submitter. Criteria: Invitae Variant Classification Sherloc (09022015). Collection method: clinical testing. Allele origin: germline.
Comment: This sequence change replaces lysine, which is basic and polar, with methionine, which is neutral and non-polar, at codon 1326 of the COL1A2 protein (p.Lys1326Met). This variant is present in population databases (no rsID available, gnomAD 0.0009%). This variant has not been reported in the literature in individuals affected with COL1A2-related conditions. Algorithms developed to predict the effect of missense changes on protein structure and function are either unavailable or do not agree on the potential impact of this missense change (SIFT: "Deleterious"; PolyPhen-2: "Not Available"; Align-GVGD: "Class C0"). In summary, the available evidence is currently insufficient to determine the role of this variant in disease. Therefore, it has been classified as a Variant of Uncertain Significance.

NM_000089.4(COL1A2):c.3977A>T (p.Lys1326Met)

Gene: COL1A2 (collagen type I alpha 2 chain; plus strand). Cytogenetic location: 7q21.3.
Variant type: single nucleotide variant.
Coding change: c.3977A>T on transcript NM_000089.4 (MANE Select); coding-DNA position 3977, A replaced by T.
Protein change: p.Lys1326Met; replaces lysine 1326 with methionine.
Molecular consequence: missense variant.
Genome position (GRCh38, 1-based): chr7:94,430,269, A>T. VCF-style: chr7-94430269-A-T. GRCh37 (hg19) VCF-style: chr7-94059581-A-T.
Other names: c.3977A>T (NM_000089.3); short protein forms K1326M.
Identifiers: ClinVar variation 1476259 (VCV001476259.9), dbSNP rs943353660, ClinGen allele CA162942570.
Genomic context (GRCh38, chr7:94,430,269, plus strand): 5'-GTGATGCTTTGTGTATCTATTTTCTTCTCTTTAAACAGAAAAAGACAAATGAATGGGGAA[A>T]GACAATCATTGAATACAAAACAAATAAGCCATCACGCCTGCCCTTCCTTGATATTGCACC-3'
Protein context (NP_000080.2, residues 1316-1336): GCSKKTNEWG[Lys1326Met]TIIEYKTNKP